The following is an entry in ClinVar:

NM_001130438.3(SPTAN1):c.1664G>A (p.Arg555His)

Gene: SPTAN1 (spectrin alpha, non-erythrocytic 1; plus strand). Cytogenetic location: 9q34.11.
Variant type: single nucleotide variant.
Coding change: c.1664G>A on transcript NM_001130438.3 (MANE Select); coding-DNA position 1664, G replaced by A.
Protein change: p.Arg555His; replaces arginine 555 with histidine.
Molecular consequence: missense variant.
Genome position (GRCh38, 1-based): chr9:128,582,707, G>A. VCF-style: chr9-128582707-G-A. GRCh37 (hg19) VCF-style: chr9-131344986-G-A.
Other names: c.1664G>A, p.Arg555His (NM_001195532.2, NM_001363759.2, NM_001363765.2 and 5 more transcripts); c.1700G>A, p.Arg567His (NM_001375312.2, NM_001375318.1); short protein forms R567H, R555H.
Identifiers: ClinVar variation 1378064 (VCV001378064.7), dbSNP rs139998823, ClinGen allele CA5264483.

ClinVar aggregate classification (germline): Uncertain significance (1 of 4 stars; one submission).

Conditions:
Early-infantile DEE. Also called: Early infantile epileptic encephalopathy with suppression bursts; Early infantile epileptic encephalopathy; Ohtahara syndrome. Identifiers: Orphanet 1934, MedGen C0393706, MONDO:0800491.

Allele frequency attached by ClinVar (database versions not stated): gnomAD exomes 0.00002 and 0.00001; gnomAD 0.00001; ExAC 0.00002; TOPMed 0.00002; ESP Exome Variant Server 0.00015.
gnomAD v4.1: 12 of 1,613,332 alleles (0.00074%); highest among the groups gnomAD compares: East Asian, 0.0022%; no homozygotes.

Submission:

Labcorp Genetics (formerly Invitae), Labcorp
Classification: Uncertain significance for Early-infantile DEE. Last evaluated: 2021-09-29. Review status: criteria provided, single submitter. Criteria: Invitae Variant Classification Sherloc (09022015). Collection method: clinical testing. Allele origin: germline.
Comment: This sequence change replaces arginine with histidine at codon 555 of the SPTAN1 protein (p.Arg555His). The arginine residue is highly conserved and there is a small physicochemical difference between arginine and histidine. This variant is present in population databases (rs139998823, ExAC 0.01%). This variant has not been reported in the literature in individuals affected with SPTAN1-related conditions. Algorithms developed to predict the effect of missense changes on protein structure and function (SIFT, PolyPhen-2, Align-GVGD) all suggest that this variant is likely to be disruptive. In summary, the available evidence is currently insufficient to determine the role of this variant in disease. Therefore, it has been classified as a Variant of Uncertain Significance.